The following is an entry in ClinVar:

NM_007194.4(CHEK2):c.139C>G (p.Pro47Ala)

Gene: CHEK2 (checkpoint kinase 2; minus strand). Cytogenetic location: 22q12.1.
Variant type: single nucleotide variant.
Coding change: c.139C>G on transcript NM_007194.4 (MANE Select); coding-DNA position 139, C replaced by G.
Protein change: p.Pro47Ala; replaces proline 47 with alanine.
Molecular consequence: missense variant. On other transcripts: 5 prime UTR variant (1), intron variant (1).
Genome position (GRCh38, 1-based): chr22:28,734,583, G>C on the plus strand (C>G on the coding strand, the complement: CHEK2 is on the minus strand). VCF-style: chr22-28734583-G-C. GRCh37 (hg19) VCF-style: chr22-29130571-G-C.
Other names: c.139C>G, p.Pro47Ala (NM_001005735.3, NM_001349956.3, NM_001438293.1 and 3 more transcripts); c.-639C>G (NM_001257387.3); c.-345+7186C>G (NM_001437942.1); short protein forms P47A.
Identifiers: ClinVar variation 4228007 (VCV004228007.1).

ClinVar aggregate classification (germline): Uncertain significance (1 of 4 stars; one submission).

Conditions:
Hereditary cancer-predisposing syndrome. Also called: Hereditary Cancer Syndrome; Hereditary neoplastic syndrome; Neoplastic Syndromes, Hereditary; Tumor predisposition. Identifiers: Orphanet 140162, MedGen C0027672, MeSH D009386, MONDO:0015356.

Submission:

Ambry Genetics
Classification: Uncertain significance for Hereditary cancer-predisposing syndrome. Last evaluated: 2025-08-05. Review status: criteria provided, single submitter. Criteria: Ambry Variant Classification Scheme 2023. Collection method: clinical testing. Allele origin: germline.
Comment: The p.P47A variant (also known as c.139C>G), located in coding exon 1 of the CHEK2 gene, results from a C to G substitution at nucleotide position 139. The proline at codon 47 is replaced by alanine, an amino acid with highly similar properties. This amino acid position is not well conserved in available vertebrate species. In addition, this alteration is predicted to be tolerated by in silico analysis. Based on the available evidence, the clinical significance of this variant remains unclear.